The following is an entry in ClinVar:

NM_018486.3(HDAC8):c.283G>C (p.Glu95Gln)

Gene: HDAC8 (histone deacetylase 8; minus strand). Cytogenetic location: Xq13.1.
Variant type: single nucleotide variant.
Coding change: c.283G>C on transcript NM_018486.3 (MANE Select); coding-DNA position 283, G replaced by C.
Protein change: p.Glu95Gln; replaces glutamic acid 95 with glutamine.
Molecular consequence: missense variant. On other transcripts: non-coding transcript variant (1), intron variant (3).
Genome position (GRCh38, 1-based): chrX:72,568,766, C>G on the plus strand (G>C on the coding strand, the complement: HDAC8 is on the minus strand). VCF-style: chrX-72568766-C-G. GRCh37 (hg19) VCF-style: chrX-71788616-C-G.
Other names: c.283G>C, p.Glu95Gln (NM_001166419.2, NM_001166420.2, NM_001166422.2 and 4 more transcripts); c.164+3291G>C (NM_001166418.2, NM_001410728.1, NM_001166448.2); short protein forms E95Q.
Identifiers: ClinVar variation 2579771 (VCV002579771.1), dbSNP rs2522178361, ClinGen allele CA413575063.

ClinVar aggregate classification (germline): Uncertain significance (1 of 4 stars; one submission).

Submission:

GeneDx
Classification: Uncertain significance. Last evaluated: 2023-03-13. Review status: criteria provided, single submitter. Criteria: GeneDx Variant Classification Process June 2021. Collection method: clinical testing. Allele origin: germline. Affected: yes.
Comment: Not observed at significant frequency in large population cohorts (gnomAD); In silico analysis supports that this missense variant does not alter protein structure/function; Has not been previously published as pathogenic or benign to our knowledge